The following is an entry in ClinVar:

ClinVar aggregate classification (germline): Uncertain significance (1 of 4 stars; one submission).

Submission:

Dasa
Classification: Uncertain significance. Last evaluated: 2025-10-17. Review status: criteria provided, single submitter. Criteria: DASA Assertion Criteria. Collection method: clinical testing. Allele origin: germline.
Comment: NM_020921.4(NIN):c.2641A>G (p.Lys881Glu) is a missense variant that results in the substitution of lysine with glutamic acid. This variant is absent from population databases. Computational prediction algorithms are consistent with a benign effect. The currently available literature and clinical evidence are not sufficient to establish a definitive association between this variant and the reported condition. Therefore, this variant is classified as a variant of uncertain significance.

NM_020921.4(NIN):c.2641A>G (p.Lys881Glu)

Gene: NIN (ninein; minus strand). Cytogenetic location: 14q22.1.
Variant type: single nucleotide variant.
Coding change: c.2641A>G on transcript NM_020921.4 (MANE Select); coding-DNA position 2641, A replaced by G.
Protein change: p.Lys881Glu; replaces lysine 881 with glutamic acid.
Molecular consequence: missense variant. On other transcripts: intron variant (1).
Genome position (GRCh38, 1-based): chr14:50,758,389, T>C on the plus strand (A>G on the coding strand, the complement: NIN is on the minus strand). VCF-style: chr14-50758389-T-C. GRCh37 (hg19) VCF-style: chr14-51225107-T-C.
Other names: c.2641A>G, p.Lys881Glu (NM_182944.3, NM_182946.2); c.2399+1468A>G (NM_016350.5); short protein forms K881E.
Identifiers: ClinVar variation 5020826 (VCV005020826.1).